The following is an entry in ClinVar:

ClinVar aggregate classification (germline): Uncertain significance (1 of 4 stars; one submission).

Submission:

Labcorp Genetics (formerly Invitae), Labcorp
Classification: Uncertain significance. Last evaluated: 2022-06-27. Review status: criteria provided, single submitter. Criteria: Invitae Variant Classification Sherloc (09022015). Collection method: clinical testing. Allele origin: germline.
Comment: This sequence change replaces proline, which is neutral and non-polar, with leucine, which is neutral and non-polar, at codon 1189 of the EYS protein (p.Pro1189Leu). This variant is not present in population databases (gnomAD no frequency). This variant has not been reported in the literature in individuals affected with EYS-related conditions. Algorithms developed to predict the effect of missense changes on protein structure and function (SIFT, PolyPhen-2, Align-GVGD) all suggest that this variant is likely to be tolerated. In summary, the available evidence is currently insufficient to determine the role of this variant in disease. Therefore, it has been classified as a Variant of Uncertain Significance.

NM_001142800.2(EYS):c.3566C>T (p.Pro1189Leu)

Gene: EYS (eyes shut homolog; minus strand). Cytogenetic location: 6q12.
Variant type: single nucleotide variant.
Coding change: c.3566C>T on transcript NM_001142800.2 (MANE Select); coding-DNA position 3566, C replaced by T.
Protein change: p.Pro1189Leu; replaces proline 1189 with leucine.
Molecular consequence: missense variant.
Genome position (GRCh38, 1-based): chr6:64,626,123, G>A on the plus strand (C>T on the coding strand, the complement: EYS is on the minus strand). VCF-style: chr6-64626123-G-A. GRCh37 (hg19) VCF-style: chr6-65336016-G-A.
Other names: c.3566C>T, p.Pro1189Leu (NM_001292009.2); short protein forms P1189L.
Identifiers: ClinVar variation 2158687 (VCV002158687.1), dbSNP rs1767601208, ClinGen allele CA364785253.
Genomic context (GRCh38, chr6:64,626,123, plus strand): 5'-TACATAAACGTATATATTATTATATATGCAGTATGCTTATTATTTTTAAAATAATTACCT[G>A]GTTGGCATTTGCAAACATATCCATTGATGTGATCTTCACAGTCTGCACCATGTAGACATG-3'
Protein context (NP_001136272.1, residues 1179-1199): HINGYVCKCQ[Pro1189Leu]GWSGHHCENE